The following is an entry in ClinVar:

NM_000246.4(CIITA):c.2296C>T (p.Pro766Ser)

Gene: CIITA (class II major histocompatibility complex transactivator; plus strand). Cytogenetic location: 16p13.13.
Variant type: single nucleotide variant.
Coding change: c.2296C>T on transcript NM_000246.4 (MANE Select); coding-DNA position 2296, C replaced by T.
Protein change: p.Pro766Ser; replaces proline 766 with serine.
Molecular consequence: missense variant. On other transcripts: intron variant (1).
Genome position (GRCh38, 1-based): chr16:10,907,788, C>T. VCF-style: chr16-10907788-C-T. GRCh37 (hg19) VCF-style: chr16-11001645-C-T.
Other names: c.2299C>T, p.Pro767Ser (NM_001286402.1, NM_001379332.1); c.2152C>T, p.Pro718Ser (NM_001379330.1); c.2149C>T, p.Pro717Ser (NM_001379331.1); c.2296C>T, p.Pro766Ser (NM_001379333.1); c.2227C>T, p.Pro743Ser (NM_001379334.1); c.860-1195C>T (NM_001286403.2); short protein forms P718S, P717S, P766S, P767S, P743S.
Identifiers: ClinVar variation 2995445 (VCV002995445.3), dbSNP rs2544493605, ClinGen allele CA394732925.

ClinVar aggregate classification (germline): Uncertain significance (1 of 4 stars; one submission).

Conditions:
MHC class II deficiency. Also called: Bare lymphocyte syndrome 2; BLS, TYPE II. Identifiers: Orphanet 572, MedGen C5447452, MONDO:0008855.

Submission:

Labcorp Genetics (formerly Invitae), Labcorp
Classification: Uncertain significance for MHC class II deficiency. Last evaluated: 2023-06-27. Review status: criteria provided, single submitter. Criteria: Invitae Variant Classification Sherloc (09022015). Collection method: clinical testing. Allele origin: germline.
Comment: In summary, the available evidence is currently insufficient to determine the role of this variant in disease. Therefore, it has been classified as a Variant of Uncertain Significance. This sequence change replaces proline, which is neutral and non-polar, with serine, which is neutral and polar, at codon 766 of the CIITA protein (p.Pro766Ser). An algorithm developed to predict the effect of missense changes on protein structure and function (PolyPhen-2) suggests that this variant is likely to be tolerated. This variant has not been reported in the literature in individuals affected with CIITA-related conditions. This variant is not present in population databases (gnomAD no frequency).